The following is an entry in ClinVar:

ClinVar aggregate classification (germline): Pathogenic. Review status: criteria provided, multiple submitters, no conflicts (2 of 4 stars). 2 submissions from 2 submitters: Pathogenic (2). Last evaluated 2024-09-27.

Conditions:
Inborn genetic diseases. Identifiers: MedGen C0950123, MeSH D030342.

Submissions (2):

Ambry Genetics
Classification: Pathogenic for Inborn genetic diseases. Last evaluated: 2024-09-27. Review status: criteria provided, single submitter. Criteria: Ambry Variant Classification Scheme 2023. Collection method: clinical testing. Allele origin: germline.
Comment: The c.3301C>T (p.Q1101*) alteration, located in exon 20 (coding exon 18) of the SETD5 gene, consists of a C to T substitution at nucleotide position 3301. This changes the amino acid from a glutamine (Q) to a stop codon at amino acid position 1101. This alteration is expected to result in loss of function by premature protein truncation or nonsense-mediated mRNA decay. This variant was not reported in population-based cohorts in the Genome Aggregation Database (gnomAD). This nucleotide position is highly conserved in available vertebrate species. RNA studies have demonstrated that this alteration results in abnormal splicing in the set of samples tested (Ambry internal data). In silico splice site analysis predicts that this alteration will result in the creation or strengthening of a novel splice donor site. Based on the available evidence, this alteration is classified as pathogenic.

Labcorp Genetics (formerly Invitae), Labcorp
Classification: Pathogenic. Last evaluated: 2020-12-18. Review status: criteria provided, single submitter. Criteria: Invitae Variant Classification Sherloc (09022015). Collection method: clinical testing. Allele origin: germline.
Comment: For these reasons, this variant has been classified as Pathogenic. Algorithms developed to predict the effect of sequence changes on RNA splicing suggest that this variant may create or strengthen a splice site, but this prediction has not been confirmed by published transcriptional studies. This variant has not been reported in the literature in individuals with SETD5-related conditions. This variant is not present in population databases (ExAC no frequency). This sequence change creates a premature translational stop signal (p.Gln1101*) in the SETD5 gene. It is expected to result in an absent or disrupted protein product. Loss-of-function variants in SETD5 are known to be pathogenic (PMID: 24680889).

Literature cited by the submitters: PubMed 24680889 (cited by Labcorp Genetics (formerly Invitae), Labcorp).

NM_001080517.3(SETD5):c.3301C>T (p.Gln1101Ter)

Gene: SETD5 (SET domain containing 5; plus strand). Cytogenetic location: 3p25.3.
Variant type: single nucleotide variant.
Coding change: c.3301C>T on transcript NM_001080517.3 (MANE Select); coding-DNA position 3301, C replaced by T.
Protein change: p.Gln1101Ter; replaces glutamine 1101 with a stop codon.
Molecular consequence: nonsense.
Genome position (GRCh38, 1-based): chr3:9,473,341, C>T. VCF-style: chr3-9473341-C-T. GRCh37 (hg19) VCF-style: chr3-9515025-C-T.
Other names: c.3301C>T (NM_001080517.1); c.3007C>T, p.Gln1003Ter (NM_001292043.2, NM_001349451.2); short protein forms Q1003*, Q1101*.
Identifiers: ClinVar variation 1458566 (VCV001458566.7), dbSNP rs1304648449, ClinGen allele CA351685498.
Genomic context (GRCh38, chr3:9,473,341, plus strand): 5'-AATTCTGCTGGTGGGGGAGGTGACTCTGCACAGAGCAAAAGCAAGTCTGCAGGAGCTGGG[C>T]AAGGCAGCAGTAACTCCGTTTCCGACACTGGTGCCCATGGTGTGCAGGGATCCTCAGCCC-3'